The following is an entry in ClinVar:

ClinVar aggregate classification (germline): Uncertain significance (1 of 4 stars; one submission).

Allele frequency attached by ClinVar (database versions not stated): gnomAD 0.00001; TOPMed 0.00001.
gnomAD v4.1: 4 of 1,562,646 alleles (0.00026%); highest among the groups gnomAD compares: Non-Finnish European, 0.00035%; no homozygotes.

Submission:

Labcorp Genetics (formerly Invitae), Labcorp
Classification: Uncertain significance. Last evaluated: 2021-01-12. Review status: criteria provided, single submitter. Criteria: Invitae Variant Classification Sherloc (09022015). Collection method: clinical testing. Allele origin: germline.
Comment: In summary, the available evidence is currently insufficient to determine the role of this variant in disease. Therefore, it has been classified as a Variant of Uncertain Significance. Algorithms developed to predict the effect of sequence changes on RNA splicing suggest that this variant may create or strengthen a splice site, but this prediction has not been confirmed by published transcriptional studies. Algorithms developed to predict the effect of missense changes on protein structure and function (SIFT, PolyPhen-2, Align-GVGD) all suggest that this variant is likely to be disruptive, but these predictions have not been confirmed by published functional studies and their clinical significance is uncertain. This variant has not been reported in the literature in individuals with TNFRSF6B-related conditions. The frequency data for this variant in the population databases is considered unreliable, as metrics indicate insufficient coverage at this position in the ExAC database. This sequence change replaces glycine with serine at codon 137 of the TNFRSF6B protein (p.Gly137Ser). The glycine residue is highly conserved and there is a small physicochemical difference between glycine and serine.

NM_003823.4(TNFRSF6B):c.409G>A (p.Gly137Ser)

Genes: RTEL1-TNFRSF6B (RTEL1-TNFRSF6B readthrough (NMD candidate); plus strand), TNFRSF6B (TNF receptor superfamily member 6b; plus strand). Cytogenetic location: 20q13.33.
Variant type: single nucleotide variant.
Coding change: c.409G>A on transcript NM_003823.4 (MANE Select); coding-DNA position 409, G replaced by A.
Protein change: p.Gly137Ser; replaces glycine 137 with serine.
Molecular consequence: missense variant. On other transcripts: non-coding transcript variant (1).
Genome position (GRCh38, 1-based): chr20:63,697,176, G>A. VCF-style: chr20-63697176-G-A. GRCh37 (hg19) VCF-style: chr20-62328529-G-A.
Other names: short protein forms G137S.
Identifiers: ClinVar variation 1443389 (VCV001443389.8), dbSNP rs746728873, ClinGen allele CA317534521.
Genomic context (GRCh38, chr20:63,697,176, plus strand): 5'-ACCGGCTTCTTCGCGCACGCTGGTTTCTGCTTGGAGCACGCATCGTGTCCACCTGGTGCC[G>A]GCGTGATTGCCCCGGGTGAGAGCTGGGCGAGGGGAGGGGCCCCCAGGAGTGGTGGCCGGA-3'
Protein context (NP_003814.1, residues 127-147): LEHASCPPGA[Gly137Ser]VIAPGTPSQN